The following is an entry in ClinVar:

NM_021975.4(RELA):c.1027A>C (p.Lys343Gln)

Gene: RELA (RELA proto-oncogene, NF-kB subunit; minus strand). Cytogenetic location: 11q13.1.
Variant type: single nucleotide variant.
Coding change: c.1027A>C on transcript NM_021975.4 (MANE Select); coding-DNA position 1027, A replaced by C.
Protein change: p.Lys343Gln; replaces lysine 343 with glutamine.
Molecular consequence: missense variant.
Genome position (GRCh38, 1-based): chr11:65,655,694, T>G on the plus strand (A>C on the coding strand, the complement: RELA is on the minus strand). VCF-style: chr11-65655694-T-G. GRCh37 (hg19) VCF-style: chr11-65423165-T-G.
Other names: c.1018A>C, p.Lys340Gln (NM_001145138.2); c.1027A>C, p.Lys343Gln (NM_001243984.2, NM_001243985.2); c.1060A>C, p.Lys354Gln (NM_001404657.1); c.1000A>C, p.Lys334Gln (NM_001404658.1); c.814A>C, p.Lys272Gln (NM_001404659.1); c.709A>C, p.Lys237Gln (NM_001404660.1); c.646A>C, p.Lys216Gln (NM_001404661.1); c.934A>C, p.Lys312Gln (NM_001404662.1, NM_001404663.1); short protein forms K216Q, K340Q, K312Q, K334Q, K343Q, K354Q, K237Q, K272Q.
Identifiers: ClinVar variation 2121983 (VCV002121983.4), dbSNP rs2496832815, ClinGen allele CA381389084.

ClinVar aggregate classification (germline): Uncertain significance (1 of 4 stars; one submission).

Submission:

Labcorp Genetics (formerly Invitae), Labcorp
Classification: Uncertain significance. Last evaluated: 2022-05-16. Review status: criteria provided, single submitter. Criteria: Invitae Variant Classification Sherloc (09022015). Collection method: clinical testing. Allele origin: germline.
Comment: In summary, the available evidence is currently insufficient to determine the role of this variant in disease. Therefore, it has been classified as a Variant of Uncertain Significance. Algorithms developed to predict the effect of missense changes on protein structure and function (SIFT, PolyPhen-2, Align-GVGD) all suggest that this variant is likely to be tolerated. This variant has not been reported in the literature in individuals affected with RELA-related conditions. This variant is not present in population databases (gnomAD no frequency). This sequence change replaces lysine, which is basic and polar, with glutamine, which is neutral and polar, at codon 343 of the RELA protein (p.Lys343Gln).